The following is an entry in ClinVar:

ClinVar aggregate classification (germline): Uncertain significance (1 of 4 stars; one submission).

Conditions:
Alagille syndrome due to a JAG1 point mutation. Also called: HEPATIC DUCTULAR HYPOPLASIA, SYNDROMATIC; JAG1-Related Alagille Syndrome; Alagille Syndrome 1. Identifiers: Orphanet 261619, Orphanet 52, MedGen C1956125, MONDO:0016862, OMIM 118450.

Allele frequency attached by ClinVar (database versions not stated): TOPMed below 0.00001.

Submission:

Labcorp Genetics (formerly Invitae), Labcorp
Classification: Uncertain significance for Alagille syndrome due to a JAG1 point mutation. Last evaluated: 2023-03-20. Review status: criteria provided, single submitter. Criteria: Invitae Variant Classification Sherloc (09022015). Collection method: clinical testing. Allele origin: germline.
Comment: In summary, the available evidence is currently insufficient to determine the role of this variant in disease. Therefore, it has been classified as a Variant of Uncertain Significance. Advanced modeling of protein sequence and biophysical properties (such as structural, functional, and spatial information, amino acid conservation, physicochemical variation, residue mobility, and thermodynamic stability) performed at Invitae indicates that this missense variant is not expected to disrupt JAG1 protein function. This variant has not been reported in the literature in individuals affected with JAG1-related conditions. This variant is not present in population databases (gnomAD no frequency). This sequence change replaces serine, which is neutral and polar, with phenylalanine, which is neutral and non-polar, at codon 10 of the JAG1 protein (p.Ser10Phe).

NM_000214.3(JAG1):c.29C>T (p.Ser10Phe)

Gene: JAG1 (jagged canonical Notch ligand 1; minus strand). Cytogenetic location: 20p12.2.
Variant type: single nucleotide variant.
Coding change: c.29C>T on transcript NM_000214.3 (MANE Select); coding-DNA position 29, C replaced by T.
Protein change: p.Ser10Phe; replaces serine 10 with phenylalanine.
Molecular consequence: missense variant.
Genome position (GRCh38, 1-based): chr20:10,673,502, G>A on the plus strand (C>T on the coding strand, the complement: JAG1 is on the minus strand). VCF-style: chr20-10673502-G-A. GRCh37 (hg19) VCF-style: chr20-10654150-G-A.
Other names: short protein forms S10F.
Identifiers: ClinVar variation 2895906 (VCV002895906.3), dbSNP rs1179731936, ClinGen allele CA408244266.